The following is an entry in ClinVar:

NM_000755.5(CRAT):c.1043G>A (p.Gly348Glu)

Gene: CRAT (carnitine O-acetyltransferase; minus strand). Cytogenetic location: 9q34.11.
Variant type: single nucleotide variant.
Coding change: c.1043G>A on transcript NM_000755.5 (MANE Select); coding-DNA position 1043, G replaced by A.
Protein change: p.Gly348Glu; replaces glycine 348 with glutamic acid.
Molecular consequence: missense variant.
Genome position (GRCh38, 1-based): chr9:129,099,908, C>T on the plus strand (G>A on the coding strand, the complement: CRAT is on the minus strand). VCF-style: chr9-129099908-C-T. GRCh37 (hg19) VCF-style: chr9-131862187-C-T.
Other names: c.980G>A, p.Gly327Glu (NM_004003.4, NM_001257363.3, NM_001346548.2); c.1046G>A, p.Gly349Glu (NM_001346546.2); c.1043G>A, p.Gly348Glu (NM_001346547.2); c.923G>A, p.Gly308Glu (NM_001346549.2); short protein forms G308E, G348E, G327E, G349E.
Identifiers: ClinVar variation 3496895 (VCV003496895.3).

ClinVar aggregate classification (germline): Uncertain significance. Review status: criteria provided, multiple submitters, no conflicts (2 of 4 stars). 2 submissions from 2 submitters: Uncertain significance (2). Last evaluated 2024-11-11.

Submissions (2):

Labcorp Genetics (formerly Invitae), Labcorp
Classification: Uncertain significance. Last evaluated: 2024-11-11. Review status: criteria provided, single submitter. Criteria: Invitae Variant Classification Sherloc (09022015). Collection method: clinical testing. Allele origin: germline.
Comment: This sequence change replaces glycine, which is neutral and non-polar, with glutamic acid, which is acidic and polar, at codon 348 of the CRAT protein (p.Gly348Glu). This variant is present in population databases (rs548494205, gnomAD 0.006%). This variant has not been reported in the literature in individuals affected with CRAT-related conditions. Invitae Evidence Modeling of protein sequence and biophysical properties (such as structural, functional, and spatial information, amino acid conservation, physicochemical variation, residue mobility, and thermodynamic stability) indicates that this missense variant is expected to disrupt CRAT protein function with a positive predictive value of 80%. In summary, the available evidence is currently insufficient to determine the role of this variant in disease. Therefore, it has been classified as a Variant of Uncertain Significance.

Ambry Genetics
Classification: Uncertain significance. Last evaluated: 2024-08-12. Review status: criteria provided, single submitter. Criteria: Ambry Variant Classification Scheme 2023. Collection method: clinical testing. Allele origin: germline.